The following is an entry in ClinVar:

NM_002838.5(PTPRC):c.2545A>G (p.Ile849Val)

Gene: PTPRC (protein tyrosine phosphatase receptor type C; plus strand). Cytogenetic location: 1q32.1.
Variant type: single nucleotide variant.
Coding change: c.2545A>G on transcript NM_002838.5 (MANE Select); coding-DNA position 2545, A replaced by G.
Protein change: p.Ile849Val; replaces isoleucine 849 with valine.
Molecular consequence: missense variant.
Genome position (GRCh38, 1-based): chr1:198,742,010, A>G. VCF-style: chr1-198742010-A-G. GRCh37 (hg19) VCF-style: chr1-198711139-A-G.
Other names: c.2062A>G, p.Ile688Val (NM_080921.4); short protein forms I688V, I849V.
Identifiers: ClinVar variation 1009803 (VCV001009803.7), dbSNP rs752510149, ClinGen allele CA1315139.
Genomic context (GRCh38, chr1:198,742,010, plus strand): 5'-CACTTGCTCCTCAAACTGAGAAGGAGAGTGAATGCCTTCAGCAATTTCTTCAGTGGTCCC[A>G]TTGTGGTGCACTGCAGGTAGGAAAAACGAACAAAAAAAAAAAACAACAACAAAAAAACTC-3'
Protein context (NP_002829.3, residues 839-859): NAFSNFFSGP[Ile849Val]VVHCSAGVGR

ClinVar aggregate classification (germline): Uncertain significance (1 of 4 stars; one submission).

Conditions:
Immunodeficiency 104. Also called: SCID, AUTOSOMAL RECESSIVE, T CELL-NEGATIVE, B CELL-POSITIVE, NK CELL-POSITIVE; Severe combined immunodeficiency, autosomal recessive, T cell-negative, B cell-positive, NK cell-positive; Severe Combined Immune Deficiency, Autosomal Recessive, TCell -Negative, B Cell-Positive, NK Cell-Positive, IL7R-Related; IMMUNODEFICIENCY 104, SEVERE COMBINED. Identifiers: MedGen C5676890, MONDO:0012163, OMIM 608971.

Allele frequency attached by ClinVar (database versions not stated): gnomAD exomes 0.00006 and 0.00012; ExAC 0.00008; gnomAD 0.00016; TOPMed 0.00019.
gnomAD v4.1: 117 of 1,610,538 alleles (0.0073%); highest among the groups gnomAD compares: Admixed American, 0.052%; no homozygotes.

Submission:

Labcorp Genetics (formerly Invitae), Labcorp
Classification: Uncertain significance for Immunodeficiency 104. Last evaluated: 2022-07-06. Review status: criteria provided, single submitter. Criteria: Invitae Variant Classification Sherloc (09022015). Collection method: clinical testing. Allele origin: germline.
Comment: This sequence change replaces isoleucine, which is neutral and non-polar, with valine, which is neutral and non-polar, at codon 849 of the PTPRC protein (p.Ile849Val). This variant is present in population databases (rs752510149, gnomAD 0.1%). This variant has not been reported in the literature in individuals affected with PTPRC-related conditions. ClinVar contains an entry for this variant (Variation ID: 1009803). Algorithms developed to predict the effect of missense changes on protein structure and function output the following: SIFT: "Tolerated"; PolyPhen-2: "Benign"; Align-GVGD: "Class C0". The valine amino acid residue is found in multiple mammalian species, which suggests that this missense change does not adversely affect protein function. In summary, the available evidence is currently insufficient to determine the role of this variant in disease. Therefore, it has been classified as a Variant of Uncertain Significance.